The following is an entry in ClinVar:

NM_033118.4(MYLK2):c.1543G>T (p.Asp515Tyr)

Gene: MYLK2 (myosin light chain kinase 2; plus strand). Cytogenetic location: 20q11.21.
Variant type: single nucleotide variant.
Coding change: c.1543G>T on transcript NM_033118.4 (MANE Select); coding-DNA position 1543, G replaced by T.
Protein change: p.Asp515Tyr; replaces aspartic acid 515 with tyrosine.
Molecular consequence: missense variant.
Genome position (GRCh38, 1-based): chr20:31,831,821, G>T. VCF-style: chr20-31831821-G-T. GRCh37 (hg19) VCF-style: chr20-30419624-G-T.
Other names: short protein forms D515Y.
Identifiers: ClinVar variation 847742 (VCV000847742.9), dbSNP rs2062307963, ClinGen allele CA408528126.

ClinVar aggregate classification (germline): Uncertain significance (1 of 4 stars; one submission).

Conditions:
Hypertrophic cardiomyopathy 1 (CMH1). Also called: MYH7-Related Familial Hypertrophic Cardiomyopathy; Familial hypertrophic cardiomyopathy 1. Identifiers: MedGen C3495498, MONDO:0008647, OMIM 192600.

Submission:

Labcorp Genetics (formerly Invitae), Labcorp
Classification: Uncertain significance for Hypertrophic cardiomyopathy 1. Last evaluated: 2020-09-24. Review status: criteria provided, single submitter. Criteria: Invitae Variant Classification Sherloc (09022015). Collection method: clinical testing. Allele origin: germline.
Comment: In summary, the available evidence is currently insufficient to determine the role of this variant in disease. Therefore, it has been classified as a Variant of Uncertain Significance. Algorithms developed to predict the effect of missense changes on protein structure and function (SIFT, PolyPhen-2, Align-GVGD) all suggest that this variant is likely to be disruptive, but these predictions have not been confirmed by published functional studies and their clinical significance is uncertain. This variant has not been reported in the literature in individuals with MYLK2-related conditions. This variant is not present in population databases (ExAC no frequency). This sequence change replaces aspartic acid with tyrosine at codon 515 of the MYLK2 protein (p.Asp515Tyr). The aspartic acid residue is highly conserved and there is a large physicochemical difference between aspartic acid and tyrosine.